The following is an entry in ClinVar:

ClinVar aggregate classification (germline): Uncertain significance (1 of 4 stars; one submission).

Conditions:
Peutz-Jeghers syndrome (PJS). Also called: Peutz-Jeghers polyposis; Periorificial lentiginosis syndrome; POLYPOSIS, HAMARTOMATOUS INTESTINAL; POLYPS-AND-SPOTS SYNDROME. Identifiers: Orphanet 2869, MedGen C0031269, MeSH D010580, MONDO:0008280, OMIM 175200.

Allele frequency attached by ClinVar (database versions not stated): gnomAD exomes below 0.00001.
gnomAD v4.1: 1 of 1,600,732 alleles (0.000062%); highest among the groups gnomAD compares: Non-Finnish European, 0.000085%; no homozygotes.

Submission:

Labcorp Genetics (formerly Invitae), Labcorp
Classification: Uncertain significance for Peutz-Jeghers syndrome. Last evaluated: 2023-12-02. Review status: criteria provided, single submitter. Criteria: Invitae Variant Classification Sherloc (09022015). Collection method: clinical testing. Allele origin: germline.
Comment: This sequence change replaces tyrosine, which is neutral and polar, with cysteine, which is neutral and slightly polar, at codon 156 of the STK11 protein (p.Tyr156Cys). This variant is not present in population databases (gnomAD no frequency). This variant has not been reported in the literature in individuals affected with STK11-related conditions. An algorithm developed to predict the effect of missense changes on protein structure and function (PolyPhen-2) suggests that this variant is likely to be disruptive. In summary, the available evidence is currently insufficient to determine the role of this variant in disease. Therefore, it has been classified as a Variant of Uncertain Significance.

NM_000455.5(STK11):c.467A>G (p.Tyr156Cys)

Gene: STK11 (serine/threonine kinase 11; plus strand). Cytogenetic location: 19p13.3.
Variant type: single nucleotide variant.
Coding change: c.467A>G on transcript NM_000455.5 (MANE Select); coding-DNA position 467, A replaced by G.
Protein change: p.Tyr156Cys; replaces tyrosine 156 with cysteine.
Molecular consequence: missense variant. On other transcripts: non-coding transcript variant (1).
Genome position (GRCh38, 1-based): chr19:1,220,375, A>G. VCF-style: chr19-1220375-A-G. GRCh37 (hg19) VCF-style: chr19-1220374-A-G.
Other names: c.467A>G, p.Tyr156Cys (NM_001407255.1); short protein forms Y156C.
Identifiers: ClinVar variation 2700468 (VCV002700468.3), dbSNP rs2145424113, ClinGen allele CA402948775.
Genomic context (GRCh38, chr19:1,220,375, plus strand): 5'-GGACCCCTGTGAGGGGCAGGGAGGCCTCGGCCCCAGGACGGGTGTGTGCTGCCCGCAGGT[A>G]CTTCTGTCAGCTGATTGACGGCCTGGAGTACCTGCATAGCCAGGGCATTGTGCACAAGGA-3'
Protein context (NP_000446.1, residues 146-166): KRFPVCQAHG[Tyr156Cys]FCQLIDGLEY